The following is an entry in ClinVar:

NM_001201427.2(DAAM2):c.2989G>A (p.Glu997Lys)

Gene: DAAM2 (dishevelled associated activator of morphogenesis 2; plus strand). Cytogenetic location: 6p21.2.
Variant type: single nucleotide variant.
Coding change: c.2989G>A on transcript NM_001201427.2 (MANE Select); coding-DNA position 2989, G replaced by A.
Protein change: p.Glu997Lys; replaces glutamic acid 997 with lysine.
Molecular consequence: missense variant.
Genome position (GRCh38, 1-based): chr6:39,901,819, G>A. VCF-style: chr6-39901819-G-A. GRCh37 (hg19) VCF-style: chr6-39869595-G-A.
Other names: c.2986G>A, p.Glu996Lys (NM_015345.4); short protein forms E996K, E997K.
Identifiers: ClinVar variation 3345919 (VCV003345919.1).

ClinVar aggregate classification (germline): Uncertain significance (0 of 4 stars; one submission).

Conditions:
DAAM2-related disorder. Also called: DAAM2-related condition.

Submission:

PreventionGenetics, part of Exact Sciences
Classification: Uncertain significance for DAAM2-related condition. Last evaluated: 2024-04-15. Review status: no assertion criteria provided. Collection method: clinical testing. Allele origin: germline.
Comment: The DAAM2 c.2989G>A variant is predicted to result in the amino acid substitution p.Glu997Lys. To our knowledge, this variant has not been reported in the literature or in a large population database, indicating this variant is rare. At this time, the clinical significance of this variant is uncertain due to the absence of conclusive functional and genetic evidence.